The following is an entry in ClinVar:

NM_000138.5(FBN1):c.2869A>C (p.Thr957Pro)

Gene: FBN1 (fibrillin 1; minus strand). Cytogenetic location: 15q21.1.
Variant type: single nucleotide variant.
Coding change: c.2869A>C on transcript NM_000138.5 (MANE Select); coding-DNA position 2869, A replaced by C.
Protein change: p.Thr957Pro; replaces threonine 957 with proline.
Molecular consequence: missense variant.
Genome position (GRCh38, 1-based): chr15:48,490,064, T>G on the plus strand (A>C on the coding strand, the complement: FBN1 is on the minus strand). VCF-style: chr15-48490064-T-G. GRCh37 (hg19) VCF-style: chr15-48782261-T-G.
Other names: c.2869A>C, p.Thr957Pro (NM_001406716.1); short protein forms T957P.
Identifiers: ClinVar variation 4758994 (VCV004758994.1).

ClinVar aggregate classification (germline): Uncertain significance (1 of 4 stars; one submission).

Conditions:
Familial thoracic aortic aneurysm and aortic dissection (TAAD). Also called: Thoracic aortic aneurysms and dissections. Identifiers: Orphanet 91387, MedGen C4707243, MONDO:0019625.

Submission:

Color Diagnostics, LLC DBA Color Health
Classification: Uncertain significance for Familial thoracic aortic aneurysm and aortic dissection. Last evaluated: 2025-07-28. Review status: criteria provided, single submitter. Criteria: ACMG Guidelines, 2015. Collection method: clinical testing. Allele origin: germline.
Comment: This missense variant replaces threonine with proline at codon 957 of the FBN1 protein. Computational prediction suggests that this variant may not impact protein structure and function. To our knowledge, functional studies have not been reported for this variant. This variant has not been reported in individuals affected with FBN1-related disorders in the literature. This variant has not been identified in the general population by the Genome Aggregation Database (gnomAD). The available evidence is insufficient to determine the role of this variant in disease conclusively. Therefore, this variant is classified as a Variant of Uncertain Significance.